The following is an entry in ClinVar:

ClinVar aggregate classification (germline): Uncertain significance (1 of 4 stars; one submission).

Conditions:
X-linked intellectual disability Cabezas type (MRXSC). Also called: CABEZAS SYNDROME; MENTAL RETARDATION, X-LINKED, SYNDROMIC 15; Intellectual developmental disorder, X-linked syndromic, Cabezas type. Identifiers: Orphanet 85289, Orphanet 85293, MedGen C1845861, MONDO:0010306, OMIM 300354.

Submission:

Mendelics
Classification: Uncertain significance for X-linked intellectual disability Cabezas type. Last evaluated: 2026-03-05. Review status: criteria provided, single submitter. Criteria: ACMG Guidelines, 2015. Collection method: clinical testing. Allele origin: unknown.
Comment: The available evidence is insufficient to conclusively determine the role of this variant. Therefore, it is classified as a Variant of Uncertain Significance.

NC_000023.11:g.120575509_120575535del

Gene: CUL4B (cullin 4B; minus strand). Cytogenetic location: Xq24.
Variant type: Deletion.
Genome position: GRCh38 VCF-style: chrX-120575500-ATGCCCGCCCTTTCGGCGGGCTAGGTTC-A. GRCh37 (hg19) VCF-style: chrX-119709355-ATGCCCGCCCTTTCGGCGGGCTAGGTTC-A.
Identifiers: ClinVar variation 4813610 (VCV004813610.1).